The following is an entry in ClinVar:

NM_000090.4(COL3A1):c.997-1G>C

Gene: COL3A1 (collagen type III alpha 1 chain; plus strand). Cytogenetic location: 2q32.2.
Variant type: single nucleotide variant.
Coding change: c.997-1G>C on transcript NM_000090.4 (MANE Select); the canonical splice acceptor site of the intron before coding-DNA position 997, G replaced by C.
Molecular consequence: splice acceptor variant.
Genome position (GRCh38, 1-based): chr2:188,992,886, G>C. VCF-style: chr2-188992886-G-C. GRCh37 (hg19) VCF-style: chr2-189857612-G-C.
Identifiers: ClinVar variation 101447 (VCV000101447.25), dbSNP rs587779687, ClinGen allele CA007763.
Genomic context (GRCh38, chr2:188,992,886, plus strand): 5'-TAGTATGTCAGCTTTCATTTAGTTGAAAAAGAGCTCTTGAAATTGTATTTAATTTTTTCA[G>C]GGCCCTCCTGGTCCTCCTGGAACTGCCGGATTCCCTGGATCCCCTGGTGCTAAGGTAAAC-3'

ClinVar aggregate classification (germline): Pathogenic/Likely pathogenic. Review status: criteria provided, multiple submitters, no conflicts (2 of 4 stars). 6 submissions from 6 submitters: Pathogenic (4); Likely pathogenic (1). 1 of the submissions does not count toward it. Last evaluated 2026-06-10.

Conditions:
COL3A1-related disorder. Also called: COL3A1-related condition.
Familial thoracic aortic aneurysm and aortic dissection (TAAD). Also called: Thoracic aortic aneurysms and dissections. Identifiers: Orphanet 91387, MedGen C4707243, MONDO:0019625.
Ehlers-Danlos syndrome, type 4 (EDSVASC). Also called: Ehlers-Danlos syndrome vascular type; Ehlers Danlos syndrome, ecchymotic type; Ehlers Danlos syndrome, arterial type; Ehlers Danlos syndrome, Sack-Barabas type; Ehlers-Danlos Syndrome Type IV. Identifiers: Orphanet 286, MedGen C0268338, MONDO:0017314, OMIM 130050.

Submissions (6):

Ambry Genetics
Classification: Pathogenic for Familial thoracic aortic aneurysm and aortic dissection. Last evaluated: 2026-06-10. Review status: criteria provided, single submitter. Criteria: Ambry Variant Classification Scheme 2023. Collection method: clinical testing. Allele origin: germline.
Comment: The c.997-1G>C intronic alteration consists of a G to C substitution one nucleotide before coding exon 15 of the COL3A1 gene. Alterations that disrupt the canonical splice site are expected to result in aberrant splicing. The resulting transcript is predicted to be in-frame and is not expected to trigger nonsense-mediated mRNA decay; however, direct evidence is unavailable. The exact functional effect of the altered amino acid sequence is unknown. This variant was not reported in population-based cohorts in the Genome Aggregation Database (gnomAD). This variant was detected in a patient from a study of vascular Ehlers-Danlos syndrome clinical genetic testing; however, clinical details were limited (Pepin, 2014). This alteration has been observed in at least one individual with a personal and/or family history that is consistent with COL3A1-related disease (Ambry internal data). This nucleotide position is highly conserved in available vertebrate species. In silico splice site analysis predicts that this alteration will weaken the native splice acceptor site. Based on the available evidence, this alteration is classified as pathogenic.

PreventionGenetics, part of Exact Sciences
Classification: Pathogenic for COL3A1-related condition. Last evaluated: 2026-04-29. Review status: criteria provided, single submitter. Criteria: ACMG Guidelines, 2015. Collection method: clinical testing. Allele origin: germline.
Comment: The COL3A1 c.997-1G>C variant is predicted to disrupt the AG splice acceptor site and interfere with normal splicing. This variant has been reported in an individual with autosomal dominant vascular type Ehlers-Danlos syndrome (Table S1, Pepin et al. 2014. PubMed ID: 24922459). This variant has not been reported in a large population database (gnomAD), indicating this variant is rare. Disruption of this splice site is predicted to result in an in-frame deletion of 18 amino acid residues within the Gly-X-Y triple helical domain, and alternate nucleotide changes affecting the splice site have been reported in individuals with autosomal dominant vascular type Ehlers-Danlos syndrome (c.997-2A>G, Morissette et al. 2014. PubMed ID: 24399159; c.997-1G>A in Appendix 11, Henneton et al. 2019. PubMed ID: 30919682). Variants that disrupt the consensus splice acceptor site in COL3A1 are expected to be pathogenic. This variant is interpreted as pathogenic.

GeneDx
Classification: Pathogenic. Last evaluated: 2025-06-21. Review status: criteria provided, single submitter. Criteria: GeneDx Variant Classification Process June 2021. Collection method: clinical testing. Allele origin: germline. Affected: yes.
Comment: Not observed at significant frequency in large population cohorts (gnomAD); Canonical splice site variant predicted to result in an in-frame loss of the adjacent exon in a gene for which loss of function is a known mechanism of disease; Damages or destroys the splice acceptor site in intron 14, and is expected to cause abnormal gene splicing; if the splice outcome is exon skip, the loss of the encoded residues in the triple helical region is expected to disrupt normal protein folding and function, and this is an established mechanism of disease (HGMD); This variant is associated with the following publications: (PMID: 24922459)

Labcorp Genetics (formerly Invitae), Labcorp
Classification: Pathogenic for Ehlers-Danlos syndrome, type 4. Last evaluated: 2024-08-04. Review status: criteria provided, single submitter. Criteria: Invitae Variant Classification Sherloc (09022015). Collection method: clinical testing. Allele origin: germline.
Comment: This sequence change affects an acceptor splice site in intron 14 of the COL3A1 gene. It is expected to disrupt RNA splicing. Variants that disrupt the donor or acceptor splice site typically lead to a loss of protein function (PMID: 16199547), and loss-of-function variants in COL3A1 are known to be pathogenic (PMID: 24922459). This variant is not present in population databases (gnomAD no frequency). Disruption of this splice site has been observed in individuals with COL3A1-related conditions (PMID: 24399159, 24922459, 30793832, 30919682; Invitae). ClinVar contains an entry for this variant (Variation ID: 101447). Algorithms developed to predict the effect of sequence changes on RNA splicing suggest that this variant may disrupt the consensus splice site. For these reasons, this variant has been classified as Pathogenic.

Color Diagnostics, LLC DBA Color Health
Classification: Likely pathogenic for Familial thoracic aortic aneurysm and aortic dissection. Last evaluated: 2019-01-14. Review status: criteria provided, single submitter. Criteria: ACMG Guidelines, 2015. Collection method: clinical testing. Allele origin: germline.
Comment: This variant alters the canonical splice acceptor site in intron 14 of the COL3A1 gene. Computational splicing tools predict that this variant may have a significant adverse impact on RNA splicing. Although, to our knowledge, RNA study has not been performed to confirm the prediction, this variant is expected to result in a disrupted protein product. This variant has not been reported in individuals affected with cardiovascular disorders in the literature. This variant has not been identified in the general population by the Genome Aggregation Database (gnomAD). A different variant affecting the same splice acceptor site, c.997-2A>G, has been reported in three related individuals in one family affected with vascular Ehlers-Danlos syndrome (PMID: 24399159). Based on available evidence, this variant is classified as Likely Pathogenic.

Collagen Diagnostic Laboratory, University of Washington
Classification: Pathogenic for Ehlers-Danlos syndrome, type 4. Review status: no assertion criteria provided. Collection method: clinical testing. Allele origin: germline. Affected: yes. Not counted in ClinVar's aggregate classification.

Literature cited by the submitters: PubMed 24922459 (cited by Ambry Genetics and Labcorp Genetics (formerly Invitae), Labcorp); PubMed 16199547 (cited by Labcorp Genetics (formerly Invitae), Labcorp); PubMed 24399159 (cited by Labcorp Genetics (formerly Invitae), Labcorp); PubMed 30793832 (cited by Labcorp Genetics (formerly Invitae), Labcorp); PubMed 30919682 (cited by Labcorp Genetics (formerly Invitae), Labcorp).